The following is an entry in ClinVar:

NM_080605.4(B3GALT6):c.420G>C (p.Leu140=)

Gene: B3GALT6 (beta-1,3-galactosyltransferase 6; plus strand). Cytogenetic location: 1p36.33.
Variant type: single nucleotide variant.
Coding change: c.420G>C on transcript NM_080605.4 (MANE Select); coding-DNA position 420, G replaced by C.
Protein change: p.Leu140=; no amino-acid change (leucine 140 retained).
Molecular consequence: synonymous variant.
Genome position (GRCh38, 1-based): chr1:1,232,698, G>C. VCF-style: chr1-1232698-G-C. GRCh37 (hg19) VCF-style: chr1-1168078-G-C.
Identifiers: ClinVar variation 2000845 (VCV002000845.4), dbSNP rs2521966601, ClinGen allele CA415761130.
Genomic context (GRCh38, chr1:1,232,698, plus strand): 5'-GCTGCTGCCCGCGCTGCGCGACGCCTACGAAAACCTCACGGCCAAGGTGCTGGCCATGCT[G>C]GCCTGGCTGGACGAGCACGTGGCCTTCGAGTTCGTGCTCAAGGCGGACGACGACTCCTTC-3'
Protein context (NP_542172.2, residues 130-150): ENLTAKVLAM[Leu140=]AWLDEHVAFE

ClinVar aggregate classification (germline): Uncertain significance (1 of 4 stars; one submission).

Conditions:
Ehlers-Danlos syndrome, spondylodysplastic type, 2 (EDSSPD2). Also called: Ehlers-Danlos syndrome, progeroid type, 2. Identifiers: Orphanet 536467, Orphanet 75496, MedGen C3809210, MONDO:0014139, OMIM 615349.
Spondyloepimetaphyseal dysplasia with joint laxity (SEMDJL). Identifiers: MedGen C0432243, MONDO:0019675.

Submission:

Labcorp Genetics (formerly Invitae), Labcorp
Classification: Uncertain significance for Ehlers-Danlos syndrome, spondylodysplastic type, 2; Spondyloepimetaphyseal dysplasia with joint laxity. Last evaluated: 2022-05-29. Review status: criteria provided, single submitter. Criteria: Invitae Variant Classification Sherloc (09022015). Collection method: clinical testing. Allele origin: germline.
Comment: In summary, the available evidence is currently insufficient to determine the role of this variant in disease. Therefore, it has been classified as a Variant of Uncertain Significance. This variant has not been reported in the literature in individuals affected with B3GALT6-related conditions. This variant is not present in population databases (gnomAD no frequency). This sequence change affects codon 140 of the B3GALT6 mRNA. It is a 'silent' change, meaning that it does not change the encoded amino acid sequence of the B3GALT6 protein.